The following is an entry in ClinVar:

NM_005555.4(KRT6B):c.1123C>A (p.Arg375Ser)

Gene: KRT6B (keratin 6B; minus strand). Cytogenetic location: 12q13.13.
Variant type: single nucleotide variant.
Coding change: c.1123C>A on transcript NM_005555.4 (MANE Select); coding-DNA position 1123, C replaced by A.
Protein change: p.Arg375Ser; replaces arginine 375 with serine.
Molecular consequence: missense variant.
Genome position (GRCh38, 1-based): chr12:52,448,922, G>T on the plus strand (C>A on the coding strand, the complement: KRT6B is on the minus strand). VCF-style: chr12-52448922-G-T. GRCh37 (hg19) VCF-style: chr12-52842706-G-T.
Other names: short protein forms R375S.
Identifiers: ClinVar variation 3603422 (VCV003603422.2).
Genomic context (GRCh38, chr12:52,448,922, plus strand): 5'-TCTCAGATCTCAGCCTCTGGATCATGCGGTTGATCTCAGCAATCTCCTGCTTGGTGTTGC[G>T]CAGGTCGTCCCCATGTCTGCCTGCTGTGATCTGCAGCTCCTCGTACTGCAGCCCAGAGGT-3'
Protein context (NP_005546.2, residues 365-385): ITAGRHGDDL[Arg375Ser]NTKQEIAEIN

ClinVar aggregate classification (germline): Uncertain significance (1 of 4 stars; one submission).

gnomAD v4.1: 8 of 1,613,584 alleles (0.0005%); highest among the groups gnomAD compares: Non-Finnish European, 0.00068%; no homozygotes.

Submission:

Labcorp Genetics (formerly Invitae), Labcorp
Classification: Uncertain significance. Last evaluated: 2024-06-01. Review status: criteria provided, single submitter. Criteria: Invitae Variant Classification Sherloc (09022015). Collection method: clinical testing. Allele origin: germline.
Comment: This sequence change replaces arginine, which is basic and polar, with serine, which is neutral and polar, at codon 375 of the KRT6B protein (p.Arg375Ser). This variant is present in population databases (no rsID available, gnomAD 0.002%). This variant has not been reported in the literature in individuals affected with KRT6B-related conditions. Advanced modeling of protein sequence and biophysical properties (such as structural, functional, and spatial information, amino acid conservation, physicochemical variation, residue mobility, and thermodynamic stability) performed at Invitae indicates that this missense variant is not expected to disrupt KRT6B protein function with a negative predictive value of 80%. In summary, the available evidence is currently insufficient to determine the role of this variant in disease. Therefore, it has been classified as a Variant of Uncertain Significance.